The following is an entry in ClinVar:

NM_001161352.2(KCNMA1):c.2267-10G>C

Genes: KCNMA1 (potassium calcium-activated channel subfamily M alpha 1; minus strand), KCNMA1-AS1 (KCNMA1 antisense RNA 1; plus strand). Cytogenetic location: 10q22.3.
Variant type: single nucleotide variant.
Coding change: c.2267-10G>C on transcript NM_001161352.2 (MANE Select); 10 bases into the intron before coding-DNA position 2267, G replaced by C.
Molecular consequence: intron variant.
Genome position (GRCh38, 1-based): chr10:76,970,077, C>G on the plus strand (G>C on the coding strand, the complement: KCNMA1 is on the minus strand). VCF-style: chr10-76970077-C-G. GRCh37 (hg19) VCF-style: chr10-78729835-C-G.
Other names: c.1943-10G>C (NM_001271518.2); c.2093-10G>C (NM_001322832.2, NM_002247.4, NM_001161353.2 and 1 more transcripts); c.2102-10G>C (NM_001322829.2, NM_001322836.2, NM_001271519.2); c.2105-10G>C (NM_001014797.3, NM_001322835.2, NM_001322837.2); c.2114-10G>C (NM_001322830.2); c.1640-10G>C (NM_001322838.2).
Identifiers: ClinVar variation 1574157 (VCV001574157.9), dbSNP rs202075749, ClinGen allele CA5568145.

ClinVar aggregate classification (germline): Likely benign. Review status: criteria provided, multiple submitters, no conflicts (2 of 4 stars). 2 submissions from 2 submitters: Likely benign (2). Last evaluated 2025-09-10.

Conditions:
KCNMA1-related disorder. Also called: KCNMA1-related disorders; KCNMA1-related condition.
Generalized epilepsy-paroxysmal dyskinesia syndrome (PNKD3). Also called: Generalized epilepsy and paroxysmal dyskinesia; Paroxysmal nonkinesigenic dyskinesia, 3, with or without generalized epilepsy. Identifiers: Orphanet 79137, MedGen C5574945, MONDO:0012276, OMIM 609446.

gnomAD v4.1: 30 of 1,609,338 alleles (0.0019%); highest among the groups gnomAD compares: Non-Finnish European, 0.0025%; no homozygotes.

Submissions (2):

Labcorp Genetics (formerly Invitae), Labcorp
Classification: Likely benign for Generalized epilepsy-paroxysmal dyskinesia syndrome. Last evaluated: 2025-09-10. Review status: criteria provided, single submitter. Criteria: Invitae Variant Classification Sherloc (09022015). Collection method: clinical testing. Allele origin: germline.

PreventionGenetics, part of Exact Sciences
Classification: Likely benign for KCNMA1-related condition. Last evaluated: 2025-03-03. Review status: criteria provided, single submitter. Criteria: ACMG Guidelines, 2015. Collection method: clinical testing. Allele origin: germline.
Comment: This variant is classified as likely benign based on ACMG/AMP sequence variant interpretation guidelines (Richards et al. 2015 PMID: 25741868, with internal and published modifications).